The following is an entry in ClinVar:

ClinVar aggregate classification (germline): Conflicting classifications of pathogenicity. Review status: criteria provided, conflicting classifications (1 of 4 stars). 4 submissions from 4 submitters: Uncertain significance (3); Likely benign (1). Last evaluated 2023-03-23.

Conditions:
Hereditary breast ovarian cancer syndrome. Also called: Hereditary breast and ovarian cancer syndrome; Breast and ovarian cancer; Hereditary breast and ovarian cancer syndrome (HBOC); Hereditary breast and/or ovarian cancer syndrome; BRCA1- and BRCA2-Associated Hereditary Breast and Ovarian Cancer; Hereditary breast and ovarian cancer. Identifiers: Orphanet 145, MedGen C0677776, MeSH D061325, MONDO:0003582. Disease mechanism: loss of function.
Hereditary cancer-predisposing syndrome. Also called: Neoplastic Syndromes, Hereditary; Hereditary neoplastic syndrome; Hereditary Cancer Syndrome; Tumor predisposition. Identifiers: Orphanet 140162, MedGen C0027672, MeSH D009386, MONDO:0015356.

Submissions (4):

University of Washington Department of Laboratory Medicine, University of Washington
Classification: Likely benign for Hereditary cancer-predisposing syndrome. Last evaluated: 2023-03-23. Review status: criteria provided, single submitter. Criteria: Dines et al. (Genet Med. 2020). Collection method: curation. Allele origin: germline.
Comment: Missense variant in a coldspot region where missense variants are very unlikely to be pathogenic (PMID:31911673).

BRCA2 exon 11 coldspot. Reclassification based on statistical prior probability.

Ambry Genetics
Classification: Uncertain significance for Hereditary cancer-predisposing syndrome. Last evaluated: 2022-01-31. Review status: criteria provided, single submitter. Criteria: Ambry Variant Classification Scheme 2023. Collection method: clinical testing. Allele origin: germline.
Comment: The p.N1878H variant (also known as c.5632A>C), located in coding exon 10 of the BRCA2 gene, results from an A to C substitution at nucleotide position 5632. The asparagine at codon 1878 is replaced by histidine, an amino acid with similar properties. This amino acid position is conserved. In addition, this alteration is predicted to be tolerated by in silico analysis. Since supporting evidence is limited at this time, the clinical significance of this alteration remains unclear.

Labcorp Genetics (formerly Invitae), Labcorp
Classification: Uncertain significance for Hereditary breast ovarian cancer syndrome. Last evaluated: 2021-06-16. Review status: criteria provided, single submitter. Criteria: Invitae Variant Classification Sherloc (09022015). Collection method: clinical testing. Allele origin: germline.
Comment: Advanced modeling of protein sequence and biophysical properties (such as structural, functional, and spatial information, amino acid conservation, physicochemical variation, residue mobility, and thermodynamic stability) performed at Invitae indicates that this missense variant is not expected to disrupt BRCA2 protein function. In summary, the available evidence is currently insufficient to determine the role of this variant in disease. Therefore, it has been classified as a Variant of Uncertain Significance. This variant has not been reported in the literature in individuals with BRCA2-related conditions. This variant is not present in population databases (ExAC no frequency). This sequence change replaces asparagine with histidine at codon 1878 of the BRCA2 protein (p.Asn1878His). The asparagine residue is weakly conserved and there is a small physicochemical difference between asparagine and histidine.

GeneDx
Classification: Uncertain significance. Last evaluated: 2019-10-23. Review status: criteria provided, single submitter. Criteria: GeneDx Variant Classification Process June 2021. Collection method: clinical testing. Allele origin: germline. Affected: yes.
Comment: Not observed in large population cohorts (Lek 2016); In silico analysis, which includes protein predictors and evolutionary conservation, supports that this variant does not alter protein structure/function; Has not been previously published as pathogenic or benign to our knowledge; Also known as BRCA2 5860A>C

NM_000059.4(BRCA2):c.5632A>C (p.Asn1878His)

Gene: BRCA2 (BRCA2 DNA repair associated; plus strand). Cytogenetic location: 13q13.1.
Variant type: single nucleotide variant.
Coding change: c.5632A>C on transcript NM_000059.4 (MANE Select); coding-DNA position 5632, A replaced by C.
Protein change: p.Asn1878His; replaces asparagine 1878 with histidine.
Molecular consequence: missense variant.
Genome position (GRCh38, 1-based): chr13:32,339,987, A>C. VCF-style: chr13-32339987-A-C. GRCh37 (hg19) VCF-style: chr13-32914124-A-C.
Other names: short protein forms N1878H.
Identifiers: ClinVar variation 1191394 (VCV001191394.13), dbSNP rs397507358, ClinGen allele CA387786128.